The following is an entry in ClinVar:

NM_004985.5(KRAS):c.13A>G (p.Lys5Glu)

Gene: KRAS (KRas proto-oncogene, GTPase; minus strand). Cytogenetic location: 12p12.1.
Variant type: single nucleotide variant.
Coding change: c.13A>G on transcript NM_004985.5 (MANE Select); coding-DNA position 13, A replaced by G.
Protein change: p.Lys5Glu; replaces lysine 5 with glutamic acid.
Molecular consequence: missense variant.
Genome position (GRCh38, 1-based): chr12:25,245,372, T>C on the plus strand (A>G on the coding strand, the complement: KRAS is on the minus strand). VCF-style: chr12-25245372-T-C. GRCh37 (hg19) VCF-style: chr12-25398306-T-C.
Other names: c.13A>G (NM_004985.4); c.13A>G, p.Lys5Glu (NM_001369786.1, NM_001369787.1, NM_033360.4); short protein forms K5E.
Identifiers: ClinVar variation 12596 (VCV000012596.25), dbSNP rs193929331, ClinGen allele CA250291.

ClinVar aggregate classification (germline): Pathogenic/Likely pathogenic. Review status: criteria provided, multiple submitters, no conflicts (2 of 4 stars). 13 submissions from 13 submitters: Pathogenic (6); Likely pathogenic (3). 4 of the submissions do not count toward it. Last evaluated 2025-09-24.

Conditions:
KRAS-related disorder. Also called: KRAS-related disorders; KRAS-related condition.
Noonan syndrome (NS). Also called: Noonan's syndrome. Identifiers: Orphanet 648, MedGen C0028326, MeSH D009634, MONDO:0018997. Disease mechanism: gain of function.
RASopathy. Also called: rasopathies; Noonan spectrum disorder. Identifiers: Orphanet 536391, MedGen C5555857, MONDO:0021060.
Prostate cancer, hereditary, 1 (HPC1). Identifiers: Orphanet 1331, MedGen C4722327, MONDO:0011098, OMIM 601518.
Noonan syndrome 3 (NS3). Also called: KRAS-Related Noonan Syndrome. Identifiers: Orphanet 648, MedGen C1860991, MONDO:0012371, OMIM 609942.

Allele frequency attached by ClinVar (database versions not stated): gnomAD exomes below 0.00001.
gnomAD v4.1: 1 of 1,611,980 alleles (0.000062%); highest among the groups gnomAD compares: Non-Finnish European, 0.000085%; no homozygotes.

Submissions (13):

Genesolutions, Medical Genetics Institutes, Ho Chi Minh City, Vietnam
Classification: Pathogenic for Noonan syndrome 3. Last evaluated: 2025-09-24. Review status: criteria provided, single submitter. Criteria: ACMG Guidelines, 2015. Collection method: clinical testing. Allele origin: germline. Affected: yes.

Labcorp Genetics (formerly Invitae), Labcorp
Classification: Pathogenic for RASopathy. Last evaluated: 2025-05-14. Review status: criteria provided, single submitter. Criteria: Invitae Variant Classification Sherloc (09022015). Collection method: clinical testing. Allele origin: germline.
Comment: This sequence change replaces lysine, which is basic and polar, with glutamic acid, which is acidic and polar, at codon 5 of the KRAS protein (p.Lys5Glu). This variant is not present in population databases (gnomAD no frequency). This missense change has been observed in individuals with KRAS-related conditions (PMID: 17468812, 17704260). ClinVar contains an entry for this variant (Variation ID: 12596). Invitae Evidence Modeling incorporating data from in vitro experimental studies (internal data) indicates that this missense variant is expected to disrupt KRAS function with a positive predictive value of 95%. This variant disrupts the p.Lys5 amino acid residue in KRAS. Other variant(s) that disrupt this residue have been determined to be pathogenic (PMID: 17056636, 20949621). This suggests that this residue is clinically significant, and that variants that disrupt this residue are likely to be disease-causing. For these reasons, this variant has been classified as Pathogenic.

Clinical Genetics Laboratory, Skane University Hospital Lund
Classification: Likely pathogenic for Noonan syndrome 3. Last evaluated: 2024-11-22. Review status: criteria provided, single submitter. Criteria: ACMG Guidelines, 2015. Collection method: clinical testing. Allele origin: germline. Affected: yes.
Comment: ACMG criterias used: PS4, PM5 and PP3.

PreventionGenetics, part of Exact Sciences
Classification: Pathogenic for KRAS-related condition. Last evaluated: 2022-09-04. Review status: criteria provided, single submitter. Criteria: ACMG Guidelines, 2015. Collection method: clinical testing. Allele origin: germline.
Comment: The KRAS c.13A>G variant is predicted to result in the amino acid substitution p.Lys5Glu. This variant has been reported in individual with Costello syndrome and Noonan syndrome (Bertola et al. 2007. PubMed ID: 17468812; Quaio et al. 2013. PubMed ID: 24037001). This variant has not been reported in a large population database, indicating this variant is rare and is interpreted as likely pathogenic and pathogenic in ClinVar. Taken together, this variant is interpreted as pathogenic.

Blueprint Genetics
Classification: Pathogenic for KRAS-related disorders. Last evaluated: 2022-08-25. Review status: criteria provided, single submitter. Criteria: ACMG Guidelines, 2015. Collection method: clinical testing. Allele origin: germline. Affected: yes. Observed: 1 variant allele.

GeneDx
Classification: Pathogenic. Last evaluated: 2022-05-05. Review status: criteria provided, single submitter. Criteria: GeneDx Variant Classification Process June 2021. Collection method: clinical testing. Allele origin: germline. Affected: yes.
Comment: Identified in several patients with clinical features of Noonan syndrome in the literature and previously tested at GeneDx (Bertola et al., 2007; Quaio et al., 2013; Quaio et al., 2012); Missense variants in this gene are often considered pathogenic (HGMD); In silico analysis supports that this missense variant has a deleterious effect on protein structure/function; Not observed at significant frequency in large population cohorts (gnomAD); This variant is associated with the following publications: (PMID: 24803665, 18958496, 17056636, 17704260, 17468812, 24037001, 22488759, 22211815)

Women's Health and Genetics/Laboratory Corporation of America, LabCorp
Classification: Likely pathogenic for RASopathy. Last evaluated: 2021-11-21. Review status: criteria provided, single submitter. Criteria: LabCorp Variant Classification Summary - May 2015. Collection method: clinical testing. Allele origin: germline.
Comment: Variant summary: KRAS c.13A>G (p.Lys5Glu) results in a conservative amino acid change located in the Small GTP-binding protein domain of the encoded protein sequence. Four of five in-silico tools predict a damaging effect of the variant on protein function. The variant was absent in 247720 control chromosomes. c.13A>G has been reported in the literature in individuals affected with Noonan Syndrome And Related Conditions (example, Bertola_2007, Nava_2007, Leung_2018, Yamamoto_2020, Lallar_2021). These data indicate that the variant is likely to be associated with disease. To our knowledge, no experimental evidence demonstrating an impact on protein function has been reported. However, another variant affecting the same amino acid (K5N) has been reported in HGMD in association with Costello syndrome, supporting the functional importance of this amino acid residue. Two clinical diagnostic laboratories have submitted clinical-significance assessments for this variant to ClinVar after 2014. All laboratories classified the variant as likely pathogenic. One submitter indicates a de novo occurrence in an affected individual at their laboratory and cites overlapping evidence utilized in the context of this evaluation. Based on the evidence outlined above, the variant was classified as likely pathogenic.

Victorian Clinical Genetics Services, Murdoch Childrens Research Institute
Classification: Pathogenic for Noonan syndrome 3. Last evaluated: 2020-06-11. Review status: criteria provided, single submitter. Criteria: ACMG Guidelines, 2015. Collection method: clinical testing. Allele origin: germline. Inheritance: Autosomal dominant inheritance. Affected: yes.
Comment: Based on the classification scheme VCGS_Germline_v1.1.1, this variant is classified as Pathogenic. Following criteria are met: 0101 - Gain-of-function is a known mechanism of disease for this gene. (N) 0107 - This gene is known to be associated with autosomal dominant disease. (N) 0200 - Variant is predicted to result in a missense amino acid change from lysine to glutamic acid (exon 2). (N) 0251 - Variant is heterozygous. (N) 0301 - Variant is absent from gnomAD. (P) 0501 - Missense variant consistently predicted to be damaging by multiple in silico tools or highly conserved with a major amino acid change. (P) 0603 - Missense variant in a region that is highly intolerant to missense variation (high constraint region). (P) 0704 - Comparable variant has low previous evidence for pathogenicity. An alternative change at the same residue (p.Lys5Asn) has been reported as pathogenic, and was observed in a de novo patient with a RASopathy (ClinVar, PMID: 17056636). (P) 0801 - Strong previous evidence of pathogenicity in unrelated individuals. This variant has been reported as pathogenic in multiple patients with RASopathies (ClinVar, PMID: 29402968, PMID: 24037001, PMID: 17468812, PMID: 17704260). (P) 1208 - Inheritance information for this variant is not currently available. (N) Legend: (P) - Pathogenic, (N) - Neutral, (B) - Benign

Laboratory for Molecular Medicine, Mass General Brigham Personalized Medicine
Classification: Likely pathogenic for Noonan syndrome. Last evaluated: 2016-09-09. Review status: criteria provided, single submitter. Criteria: LMM Criteria. Collection method: clinical testing. Allele origin: germline. Observed: 1 variant allele.
Comment: The p.Lys5Glu variant in KRAS has been reported in 3 individuals with clinical f eatures of a RASopathy disorder and one was observed to have occurred de novo (B ertola 2007, Nava 2007, LMM data). This variant was absent from large population studies. Computational prediction tools and conservation analysis suggest that the p.Lys5Glu variant may impact the protein, though this information is not predictive enough to determine pathogenicity. In summary, al though additional studies are required to fully establish its clinical significa nce, the p.Lys5Glu variant is likely pathogenic.

OMIM
Classification: Pathogenic for NOONAN SYNDROME 3. Last evaluated: 2012-06-01. Review status: no assertion criteria provided. Collection method: literature only. Allele origin: germline. Not counted in ClinVar's aggregate classification.

Baylor Genetics
Classification: Pathogenic for Rasopathy. Review status: no assertion criteria provided. Collection method: clinical testing. Allele origin: unknown. Affected: yes. Not counted in ClinVar's aggregate classification.
Comment: Variant classified using ACMG guidelines

Department of Pathology and Laboratory Medicine, Sinai Health System
Classification: Pathogenic. Review status: no assertion criteria provided. Collection method: clinical testing. Allele origin: unknown. Affected: yes. Observed: 1 variant allele. Study: The Canadian Open Genetics Repository (COGR). Not counted in ClinVar's aggregate classification.

Laboratory of Virology, Oncology, Biosciences and Environment, Faculty of Sciences and Techniques, Mohammedia- University Hassan II of Casablanca
Classification: Uncertain significance for Prostate cancer, hereditary, 1. Last evaluated: 2022-07-29. Review status: flagged submission. Collection method: clinical testing. Allele origin: germline. Affected: yes. Not counted in ClinVar's aggregate classification.
ClinVar note: Reason: Conflicts with expert reviewed submission without evidence to support different classification

Literature cited by the submitters: PubMed 17468812 (cited by 6 submitters); PubMed 17704260 (cited by 5 submitters); PubMed 17056636 (cited by 3 submitters); PubMed 20949621 (cited by Labcorp Genetics (formerly Invitae), Labcorp and Laboratory for Molecular Medicine, Mass General Brigham Personalized Medicine); PubMed 29402968 (cited by Women's Health and Genetics/Laboratory Corporation of America, LabCorp and Victorian Clinical Genetics Services, Murdoch Childrens Research Institute); PubMed 33452774 (cited by Women's Health and Genetics/Laboratory Corporation of America, LabCorp); PubMed 32078254 (cited by Women's Health and Genetics/Laboratory Corporation of America, LabCorp); PubMed 24037001 (cited by Victorian Clinical Genetics Services, Murdoch Childrens Research Institute and Laboratory for Molecular Medicine, Mass General Brigham Personalized Medicine); PubMed 22211815 (cited by Laboratory for Molecular Medicine, Mass General Brigham Personalized Medicine and OMIM); PubMed 24803665 (cited by Laboratory for Molecular Medicine, Mass General Brigham Personalized Medicine); PubMed 21909114 (cited by Laboratory for Molecular Medicine, Mass General Brigham Personalized Medicine); PubMed 18386799 (cited by OMIM).